The following is an entry in ClinVar:

NM_001042492.3(NF1):c.3305T>G (p.Leu1102Ter)

Gene: NF1 (neurofibromin 1; plus strand). Cytogenetic location: 17q11.2.
Variant type: single nucleotide variant.
Coding change: c.3305T>G on transcript NM_001042492.3 (MANE Select); coding-DNA position 3305, T replaced by G.
Protein change: p.Leu1102Ter; replaces leucine 1102 with a stop codon.
Molecular consequence: nonsense.
Genome position (GRCh38, 1-based): chr17:31,232,180, T>G. VCF-style: chr17-31232180-T-G. GRCh37 (hg19) VCF-style: chr17-29559198-T-G.
Other names: c.3305T>G, p.Leu1102Ter (NM_000267.4); short protein forms L1102*.
Identifiers: ClinVar variation 836913 (VCV000836913.6), dbSNP rs2067124493, ClinGen allele CA398988924.

ClinVar aggregate classification (germline): Pathogenic (1 of 4 stars; one submission).

Conditions:
Neurofibromatosis, type 1 (NF1). Also called: Peripheral type neurofibromatosis; Neurofibromatosis, type I; VON RECKLINGHAUSEN DISEASE; NEUROFIBROMATOSIS, TYPE I, SOMATIC. Identifiers: Orphanet 636, MedGen C0027831, MONDO:0018975, OMIM 162200. Disease mechanism: loss of function.

Submission:

Labcorp Genetics (formerly Invitae), Labcorp
Classification: Pathogenic for Neurofibromatosis, type 1. Last evaluated: 2019-12-04. Review status: criteria provided, single submitter. Criteria: Invitae Variant Classification Sherloc (09022015). Collection method: clinical testing. Allele origin: germline.
Comment: This sequence change creates a premature translational stop signal (p.Leu1102*) in the NF1 gene. It is expected to result in an absent or disrupted protein product. This variant is not present in population databases (ExAC no frequency). For these reasons, this variant has been classified as Pathogenic. Loss-of-function variants in NF1 are known to be pathogenic (PMID: 10712197, 23913538). This variant has not been reported in the literature in individuals with NF1-related conditions.

Literature cited by the submitters: PubMed 10712197; PubMed 23913538.